The following is an entry in ClinVar:

NM_001211.6(BUB1B):c.3082C>G (p.Gln1028Glu)

Genes: BUB1B (BUB1 mitotic checkpoint serine/threonine kinase B; plus strand), BUB1B-PAK6 (BUB1B-PAK6 readthrough; plus strand). Cytogenetic location: 15q15.1.
Variant type: single nucleotide variant.
Coding change: c.3082C>G on transcript NM_001211.6 (MANE Select); coding-DNA position 3082, C replaced by G.
Protein change: p.Gln1028Glu; replaces glutamine 1028 with glutamic acid.
Molecular consequence: missense variant. On other transcripts: intron variant (2).
Genome position (GRCh38, 1-based): chr15:40,220,688, C>G. VCF-style: chr15-40220688-C-G. GRCh37 (hg19) VCF-style: chr15-40512889-C-G.
Other names: c.-201+3021C>G (NM_001128628.3); c.-118+3021C>G (NM_001128629.3); short protein forms Q1028E.
Identifiers: ClinVar variation 947680 (VCV000947680.16), dbSNP rs2037890025, ClinGen allele CA391690210.
Genomic context (GRCh38, chr15:40,220,688, plus strand): 5'-ACAGTGTCTGTTCTTGGGGAGCTTGCAGCAGAAATGAATGGGGTTTTTGACACTACATTC[C>G]AAAGTCACCTGAACAAAGCCTTATGGAAGGTAGGGAAGTTAACTAGTCCTGGGGCTTTGC-3'
Protein context (NP_001202.5, residues 1018-1038): EMNGVFDTTF[Gln1028Glu]SHLNKALWKV

ClinVar aggregate classification (germline): Uncertain significance. Review status: criteria provided, multiple submitters, no conflicts (2 of 4 stars). 3 submissions from 3 submitters: Uncertain significance (3). Last evaluated 2026-08-06.

Conditions:
Mosaic variegated aneuploidy syndrome 1 (MVA1). Also called: Warburton-Anyane-Yeboa syndrome. Identifiers: Orphanet 1052, MedGen C1850343, MONDO:0009759, OMIM 257300.
Inborn genetic diseases. Identifiers: MedGen C0950123, MeSH D030342.

Allele frequency attached by ClinVar (database versions not stated): gnomAD exomes below 0.00001; gnomAD 0.00002.
gnomAD v4.1: 5 of 1,614,024 alleles (0.00031%); highest among the groups gnomAD compares: Admixed American, 0.0017%; no homozygotes.

Submissions (3):

OLLIN Analises Genomicas, OLLIN
Classification: Uncertain significance for Mosaic variegated aneuploidy syndrome 1. Last evaluated: 2026-08-06. Review status: criteria provided, single submitter. Criteria: ACMG Guidelines 2015 PMID 25741868. Collection method: clinical testing. Allele origin: germline. Inheritance: Autosomal recessive inheritance.
Comment: This missense variant, located in exon 23 (of 23), has been reported in ClinVar (accession VCV000947680.15) and in gnomAD with an allele frequency of 0.00031%. However, to our knowledge, it has not been reported in the scientific literature. In silico analysis predicts that this variant has a tolerated effect. According to the currently available evidence, this variant has been classified as uncertain significance (PM2_P, BP4_M).

Ambry Genetics
Classification: Uncertain significance for Inborn genetic diseases. Last evaluated: 2025-12-06. Review status: criteria provided, single submitter. Criteria: Ambry Variant Classification Scheme 2023. Collection method: clinical testing. Allele origin: germline.
Comment: The p.Q1028E variant (also known as c.3082C>G), located in coding exon 23 of the BUB1B gene, results from a C to G substitution at nucleotide position 3082. The glutamine at codon 1028 is replaced by glutamic acid, an amino acid with highly similar properties. This amino acid position is conserved. In addition, this alteration is predicted to be tolerated by in silico analysis. Since supporting evidence is limited at this time, the clinical significance of this alteration remains unclear.

Labcorp Genetics (formerly Invitae), Labcorp
Classification: Uncertain significance for Mosaic variegated aneuploidy syndrome 1. Last evaluated: 2020-01-16. Review status: criteria provided, single submitter. Criteria: Invitae Variant Classification Sherloc (09022015). Collection method: clinical testing. Allele origin: germline.
Comment: In summary, the available evidence is currently insufficient to determine the role of this variant in disease. Therefore, it has been classified as a Variant of Uncertain Significance. Algorithms developed to predict the effect of missense changes on protein structure and function (SIFT, PolyPhen-2, Align-GVGD) all suggest that this variant is likely to be tolerated, but these predictions have not been confirmed by published functional studies and their clinical significance is uncertain. This variant has not been reported in the literature in individuals with BUB1B-related conditions. This variant is not present in population databases (ExAC no frequency). This sequence change replaces glutamine with glutamic acid at codon 1028 of the BUB1B protein (p.Gln1028Glu). The glutamine residue is weakly conserved and there is a small physicochemical difference between glutamine and glutamic acid.